The following is an entry in ClinVar:

NM_016038.4(SBDS):c.19A>T (p.Thr7Ser)

Gene: SBDS (SBDS ribosome maturation factor; minus strand). Cytogenetic location: 7q11.21.
Variant type: single nucleotide variant.
Coding change: c.19A>T on transcript NM_016038.4 (MANE Select); coding-DNA position 19, A replaced by T.
Protein change: p.Thr7Ser; replaces threonine 7 with serine.
Molecular consequence: missense variant.
Genome position (GRCh38, 1-based): chr7:66,995,399, T>A on the plus strand (A>T on the coding strand, the complement: SBDS is on the minus strand). VCF-style: chr7-66995399-T-A. GRCh37 (hg19) VCF-style: chr7-66460386-T-A.
Other names: short protein forms T7S.
Identifiers: ClinVar variation 4843100 (VCV004843100.1).
Genomic context (GRCh38, chr7:66,995,399, plus strand): 5'-AGCGCTTCCCGGCACGCTTCATCCGTACCACGGCCACATTGGTTAGGCGGATCTGGTTGG[T>A]GGGGGTGAAGATCGACATCGCGGCTGTTCAAAGACCCAGAAGCCGGCGAACCAGGGCTGA-3'
Protein context (NP_057122.2, residues 1-17): MSIFTP[Thr7Ser]NQIRLTNVAV

ClinVar aggregate classification (germline): Uncertain significance (1 of 4 stars; one submission).

Conditions:
Inborn genetic diseases. Identifiers: MedGen C0950123, MeSH D030342.

Submission:

Ambry Genetics
Classification: Uncertain significance for Inborn genetic diseases. Last evaluated: 2026-01-12. Review status: criteria provided, single submitter. Criteria: Ambry Variant Classification Scheme 2023. Collection method: clinical testing. Allele origin: germline.
Comment: The p.T7S variant (also known as c.19A>T), located in coding exon 1 of the SBDS gene, results from an A to T substitution at nucleotide position 19. The threonine at codon 7 is replaced by serine, an amino acid with similar properties. This amino acid position is conserved. In addition, the in silico prediction for this alteration is inconclusive. Based on the available evidence, the clinical significance of this variant remains unclear.